The following is an entry in ClinVar:

ClinVar aggregate classification (germline): Uncertain significance (1 of 4 stars; one submission).

gnomAD v4.1: 1 of 1,608,950 alleles (0.000062%); highest among the groups gnomAD compares: Non-Finnish European, 0.000085%; no homozygotes.

Submission:

Ambry Genetics
Classification: Uncertain significance. Last evaluated: 2026-04-28. Review status: criteria provided, single submitter. Criteria: Ambry Variant Classification Scheme 2023. Collection method: clinical testing. Allele origin: germline.
Comment: The c.2711C>T (p.P904L) alteration is located in exon 2 (coding exon 1) of the ZFHX3 gene. This alteration results from a C to T substitution at nucleotide position 2711, causing the proline (P) at amino acid position 904 to be replaced by a leucine (L). Based on data from gnomAD, the T allele has an overall frequency of <0.001% (1/247544) total alleles studied. The highest observed frequency was 0.001% (1/112098) of European (non-Finnish) alleles. Based on insufficient or conflicting evidence, the clinical significance of this alteration remains unclear.

NM_006885.4(ZFHX3):c.2711C>T (p.Pro904Leu)

Gene: ZFHX3 (zinc finger homeobox 3; minus strand). Cytogenetic location: 16q22.3.
Variant type: single nucleotide variant.
Coding change: c.2711C>T on transcript NM_006885.4 (MANE Select); coding-DNA position 2711, C replaced by T.
Protein change: p.Pro904Leu; replaces proline 904 with leucine.
Molecular consequence: missense variant. On other transcripts: intron variant (1).
Genome position (GRCh38, 1-based): chr16:72,957,435, G>A on the plus strand (C>T on the coding strand, the complement: ZFHX3 is on the minus strand). VCF-style: chr16-72957435-G-A. GRCh37 (hg19) VCF-style: chr16-72991334-G-A.
Other names: c.2711C>T, p.Pro904Leu (NM_001386735.1); c.-23-6470C>T (NM_001164766.2); short protein forms P904L.
Identifiers: ClinVar variation 4866885 (VCV004866885.1).